The following is an entry in ClinVar:

NM_000151.4(G6PC1):c.136C>T (p.Leu46Phe)

Gene: G6PC1 (glucose-6-phosphatase catalytic subunit 1; plus strand). Cytogenetic location: 17q21.31.
Variant type: single nucleotide variant.
Coding change: c.136C>T on transcript NM_000151.4 (MANE Select); coding-DNA position 136, C replaced by T.
Protein change: p.Leu46Phe; replaces leucine 46 with phenylalanine.
Molecular consequence: missense variant.
Genome position (GRCh38, 1-based): chr17:42,901,012, C>T. VCF-style: chr17-42901012-C-T. GRCh37 (hg19) VCF-style: chr17-41053029-C-T.
Other names: c.136C>T, p.Leu46Phe (NM_001270397.2); short protein forms L46F.
Identifiers: ClinVar variation 4670339 (VCV004670339.1).

ClinVar aggregate classification (germline): Uncertain significance (1 of 4 stars; one submission).

Submission:

Ambry Genetics
Classification: Uncertain significance. Last evaluated: 2025-11-18. Review status: criteria provided, single submitter. Criteria: Ambry Variant Classification Scheme 2023. Collection method: clinical testing. Allele origin: germline.
Comment: The p.L46F variant (also known as c.136C>T), located in coding exon 1 of the G6PC gene, results from a C to T substitution at nucleotide position 136. The leucine at codon 46 is replaced by phenylalanine, an amino acid with highly similar properties. This amino acid position is conserved. In addition, this alteration is predicted to be tolerated by in silico analysis. Based on the available evidence, the clinical significance of this variant remains unclear.